The following is an entry in ClinVar:

NM_001122752.2(SERPINI1):c.854A>C (p.Lys285Thr)

Gene: SERPINI1 (serpin family I member 1; plus strand). Cytogenetic location: 3q26.1.
Variant type: single nucleotide variant.
Coding change: c.854A>C on transcript NM_001122752.2 (MANE Select); coding-DNA position 854, A replaced by C.
Protein change: p.Lys285Thr; replaces lysine 285 with threonine.
Molecular consequence: missense variant.
Genome position (GRCh38, 1-based): chr3:167,794,797, A>C. VCF-style: chr3-167794797-A-C. GRCh37 (hg19) VCF-style: chr3-167512585-A-C.
Other names: c.854A>C, p.Lys285Thr (NM_005025.5); short protein forms K285T.
Identifiers: ClinVar variation 577481 (VCV000577481.10), dbSNP rs772141992, ClinGen allele CA2694891.

ClinVar aggregate classification (germline): Uncertain significance (1 of 4 stars; one submission).

Conditions:
Familial encephalopathy with neuroserpin inclusion bodies. Also called: ENCEPHALOPATHY, FAMILIAL, WITH COLLINS BODIES. Identifiers: Orphanet 85110, MedGen C1858680, MONDO:0011412, OMIM 604218.

Allele frequency attached by ClinVar (database versions not stated): gnomAD 0.00001; TOPMed 0.00001; ExAC 0.00002; gnomAD exomes 0.00002.
gnomAD v4.1: 10 of 1,613,330 alleles (0.00062%); highest among the groups gnomAD compares: Admixed American, 0.015%; no homozygotes.

Submission:

Labcorp Genetics (formerly Invitae), Labcorp
Classification: Uncertain significance for Familial encephalopathy with neuroserpin inclusion bodies. Last evaluated: 2025-09-27. Review status: criteria provided, single submitter. Criteria: Invitae Variant Classification Sherloc (09022015). Collection method: clinical testing. Allele origin: germline.
Comment: This sequence change replaces lysine, which is basic and polar, with threonine, which is neutral and polar, at codon 285 of the SERPINI1 protein (p.Lys285Thr). This variant is present in population databases (rs772141992, gnomAD 0.01%). This variant has not been reported in the literature in individuals affected with SERPINI1-related conditions. ClinVar contains an entry for this variant (Variation ID: 577481). Invitae Evidence Modeling of protein sequence and biophysical properties (such as structural, functional, and spatial information, amino acid conservation, physicochemical variation, residue mobility, and thermodynamic stability) indicates that this missense variant is not expected to disrupt SERPINI1 protein function with a negative predictive value of 80%. In summary, the available evidence is currently insufficient to determine the role of this variant in disease. Therefore, it has been classified as a Variant of Uncertain Significance.